The following is an entry in ClinVar:

NM_001401501.2(MUC16):c.39439C>T (p.His13147Tyr)

Gene: MUC16 (mucin 16, cell surface associated; minus strand). Cytogenetic location: 19p13.2.
Variant type: single nucleotide variant.
Coding change: c.39439C>T on transcript NM_001401501.2 (MANE Select); coding-DNA position 39439, C replaced by T.
Protein change: p.His13147Tyr; replaces histidine 13147 with tyrosine.
Molecular consequence: missense variant.
Genome position (GRCh38, 1-based): chr19:8,897,623, G>A on the plus strand (C>T on the coding strand, the complement: MUC16 is on the minus strand). VCF-style: chr19-8897623-G-A. GRCh37 (hg19) VCF-style: chr19-9008299-G-A.
Other names: c.39865C>T, p.His13289Tyr (NM_001414686.1); c.39319C>T, p.His13107Tyr (NM_001414687.1); c.39253C>T, p.His13085Tyr (NM_024690.2); short protein forms H13085Y, H13107Y, H13147Y, H13289Y.
Identifiers: ClinVar variation 3044273 (VCV003044273.2), dbSNP rs1452497769, ClinGen allele CA403817473.

ClinVar aggregate classification (germline): Benign (0 of 4 stars; one submission).

Conditions:
MUC16-related disorder. Also called: MUC16-related condition.

Allele frequency attached by ClinVar (database versions not stated): 1000 Genomes Project 30x 0.15818.

Submission:

PreventionGenetics, part of Exact Sciences
Classification: Benign for MUC16-related condition. Last evaluated: 2019-06-06. Review status: no assertion criteria provided. Collection method: clinical testing. Allele origin: germline.
Comment: This variant is classified as benign based on ACMG/AMP sequence variant interpretation guidelines (Richards et al. 2015 PMID: 25741868, with internal and published modifications).